The following is an entry in ClinVar:

NM_001972.4(ELANE):c.597+20C>T

Gene: ELANE (elastase, neutrophil expressed; plus strand). Cytogenetic location: 19p13.3.
Variant type: single nucleotide variant.
Coding change: c.597+20C>T on transcript NM_001972.4 (MANE Select); 20 bases into the intron after coding-DNA position 597, C replaced by T.
Molecular consequence: intron variant.
Genome position (GRCh38, 1-based): chr19:855,814, C>T. VCF-style: chr19-855814-C-T. GRCh37 (hg19) VCF-style: chr19-855814-C-T.
Other names: c.597+20C>T (LRG_57t1).
Identifiers: ClinVar variation 246271 (VCV000246271.4), dbSNP rs879254187, ClinGen allele CA10584622.

ClinVar aggregate classification (germline): Likely benign. Review status: criteria provided, multiple submitters, no conflicts (2 of 4 stars). 2 submissions from 2 submitters: Likely benign (2). Last evaluated 2024-08-05.

Conditions:
Neutropenia, severe congenital, 1, autosomal dominant. Identifiers: MedGen C1859966, MONDO:0042490, OMIM 202700.
Cyclical neutropenia. Also called: Cyclic hematopoiesis; Cyclic Neutropenia. Identifiers: Orphanet 2686, MedGen C0221023, MONDO:0008090, OMIM 162800, HP:0040289. Disease mechanism: loss of function.

Allele frequency attached by ClinVar (database versions not stated): TOPMed below 0.00001.

Submissions (2):

Labcorp Genetics (formerly Invitae), Labcorp
Classification: Likely benign for Neutropenia, severe congenital, 1, autosomal dominant; Cyclical neutropenia. Last evaluated: 2024-08-05. Review status: criteria provided, single submitter. Criteria: Invitae Variant Classification Sherloc (09022015). Collection method: clinical testing. Allele origin: germline.

GeneDx
Classification: Likely benign. Last evaluated: 2016-01-05. Review status: criteria provided, single submitter. Criteria: GeneDx Variant Classification (06012015). Collection method: clinical testing. Allele origin: germline. Affected: yes.
Comment: This variant is considered likely benign or benign based on one or more of the following criteria: it is a conservative change, it occurs at a poorly conserved position in the protein, it is predicted to be benign by multiple in silico algorithms, and/or has population frequency not consistent with disease.